The following is an entry in ClinVar:

ClinVar aggregate classification (germline): Uncertain significance (1 of 4 stars; one submission).

Conditions:
RHO-related disorder. Also called: RHO-related condition.

Submission:

PreventionGenetics, part of Exact Sciences
Classification: Uncertain significance for RHO-related condition. Last evaluated: 2026-03-20. Review status: criteria provided, single submitter. Criteria: ACMG Guidelines, 2015. Collection method: clinical testing. Allele origin: germline.
Comment: The RHO c.961A>C variant is predicted to result in the amino acid substitution p.Ile321Leu. To our knowledge, this variant has not been reported in the literature. This variant is reported in 0.00088% of alleles in individuals of European (Non-Finnish) descent in gnomAD. At this time, the clinical significance of this variant is uncertain due to the absence of conclusive functional and genetic evidence.

NM_000539.3(RHO):c.961A>C (p.Ile321Leu)

Gene: RHO (rhodopsin; plus strand). Cytogenetic location: 3q22.1.
Variant type: single nucleotide variant.
Coding change: c.961A>C on transcript NM_000539.3 (MANE Select); coding-DNA position 961, A replaced by C.
Protein change: p.Ile321Leu; replaces isoleucine 321 with leucine.
Molecular consequence: missense variant.
Genome position (GRCh38, 1-based): chr3:129,533,632, A>C. VCF-style: chr3-129533632-A-C. GRCh37 (hg19) VCF-style: chr3-129252475-A-C.
Other names: short protein forms I321L.
Identifiers: ClinVar variation 4988203 (VCV004988203.1).
Genomic context (GRCh38, chr3:129,533,632, plus strand): 5'-CAGCCCTGGCCCTGACTCAAGCCTCTTGCCTTCCAGTTCCGGAACTGCATGCTCACCACC[A>C]TCTGCTGCGGCAAGAACCCACTGGGTGACGATGAGGCCTCTGCTACCGTGTCCAAGACGG-3'
Protein context (NP_000530.1, residues 311-331): KQFRNCMLTT[Ile321Leu]CCGKNPLGDD